The following is an entry in ClinVar:

ClinVar aggregate classification (germline): Uncertain significance. Review status: criteria provided, multiple submitters, no conflicts (2 of 4 stars). 2 submissions from 2 submitters: Uncertain significance (2). Last evaluated 2024-05-15.

Allele frequency attached by ClinVar (database versions not stated): gnomAD exomes below 0.00001; ExAC 0.00001; gnomAD 0.00002; TOPMed 0.00002; ESP Exome Variant Server 0.00015.
gnomAD v4.1: 5 of 1,614,114 alleles (0.00031%); highest among the groups gnomAD compares: African/African-American, 0.0053%; no homozygotes.

Submissions (2):

Ambry Genetics
Classification: Uncertain significance. Last evaluated: 2024-05-15. Review status: criteria provided, single submitter. Criteria: Ambry Variant Classification Scheme 2023. Collection method: clinical testing. Allele origin: germline.

Labcorp Genetics (formerly Invitae), Labcorp
Classification: Uncertain significance. Last evaluated: 2024-02-24. Review status: criteria provided, single submitter. Criteria: Invitae Variant Classification Sherloc (09022015). Collection method: clinical testing. Allele origin: germline.
Comment: This sequence change replaces proline, which is neutral and non-polar, with threonine, which is neutral and polar, at codon 263 of the ARSG protein (p.Pro263Thr). This variant is present in population databases (rs145490327, gnomAD 0.01%). This variant has not been reported in the literature in individuals affected with ARSG-related conditions. ClinVar contains an entry for this variant (Variation ID: 970236). Advanced modeling of protein sequence and biophysical properties (such as structural, functional, and spatial information, amino acid conservation, physicochemical variation, residue mobility, and thermodynamic stability) performed at Invitae indicates that this missense variant is not expected to disrupt ARSG protein function with a negative predictive value of 80%. In summary, the available evidence is currently insufficient to determine the role of this variant in disease. Therefore, it has been classified as a Variant of Uncertain Significance.

NM_001267727.2(ARSG):c.787C>A (p.Pro263Thr)

Gene: ARSG (arylsulfatase G; plus strand). Cytogenetic location: 17q24.2.
Variant type: single nucleotide variant.
Coding change: c.787C>A on transcript NM_001267727.2 (MANE Select); coding-DNA position 787, C replaced by A.
Protein change: p.Pro263Thr; replaces proline 263 with threonine.
Molecular consequence: missense variant.
Genome position (GRCh38, 1-based): chr17:68,368,630, C>A. VCF-style: chr17-68368630-C-A. GRCh37 (hg19) VCF-style: chr17-66364771-C-A.
Other names: c.787C>A, p.Pro263Thr (NM_001352899.2, NM_001352900.2, NM_001352901.2 and 3 more transcripts); c.784C>A, p.Pro262Thr (NM_001352903.2, NM_001352904.2, NM_001352905.2 and 2 more transcripts); c.739C>A, p.Pro247Thr (NM_001352909.2); c.787C>A (NM_014960.3); short protein forms P247T, P263T, P262T.
Identifiers: ClinVar variation 970236 (VCV000970236.10), dbSNP rs145490327, ClinGen allele CA8728362.